The following is an entry in ClinVar:

NM_014874.4(MFN2):c.383A>C (p.His128Pro)

Gene: MFN2 (mitofusin 2; plus strand). Cytogenetic location: 1p36.22.
Variant type: single nucleotide variant.
Coding change: c.383A>C on transcript NM_014874.4 (MANE Select); coding-DNA position 383, A replaced by C.
Protein change: p.His128Pro; replaces histidine 128 with proline.
Molecular consequence: missense variant.
Genome position (GRCh38, 1-based): chr1:11,996,227, A>C. VCF-style: chr1-11996227-A-C. GRCh37 (hg19) VCF-style: chr1-12056284-A-C.
Other names: c.383A>C, p.His128Pro (NM_001127660.2); short protein forms H128P.
Identifiers: ClinVar variation 1051096 (VCV001051096.10), dbSNP rs1569829894, ClinGen allele CA338434506.

ClinVar aggregate classification (germline): Uncertain significance (1 of 4 stars; one submission).

Conditions:
Charcot-Marie-Tooth disease type 2. Also called: Charcot-Marie-Tooth type 2. Identifiers: Orphanet 64746, MedGen C0270914, MONDO:0018993.

Submission:

Labcorp Genetics (formerly Invitae), Labcorp
Classification: Uncertain significance for Charcot-Marie-Tooth disease type 2. Last evaluated: 2022-09-06. Review status: criteria provided, single submitter. Criteria: Invitae Variant Classification Sherloc (09022015). Collection method: clinical testing. Allele origin: germline.
Comment: This variant disrupts the p.His128 amino acid residue in MFN2. Other variant(s) that disrupt this residue have been observed in individuals with MFN2-related conditions (PMID: 20008656, 28660751), which suggests that this may be a clinically significant amino acid residue. Advanced modeling of protein sequence and biophysical properties (such as structural, functional, and spatial information, amino acid conservation, physicochemical variation, residue mobility, and thermodynamic stability) performed at Invitae indicates that this missense variant is expected to disrupt MFN2 protein function. ClinVar contains an entry for this variant (Variation ID: 1051096). This variant has not been reported in the literature in individuals affected with MFN2-related conditions. This variant is not present in population databases (gnomAD no frequency). This sequence change replaces histidine, which is basic and polar, with proline, which is neutral and non-polar, at codon 128 of the MFN2 protein (p.His128Pro). In summary, the available evidence is currently insufficient to determine the role of this variant in disease. Therefore, it has been classified as a Variant of Uncertain Significance.

Literature cited by the submitters: PubMed 20008656; PubMed 28660751.